The following is an entry in ClinVar:

ClinVar aggregate classification (germline): Likely benign (1 of 4 stars; one submission).

Submission:

Mayo Clinic Laboratories, Mayo Clinic
Classification: Likely benign. Last evaluated: 2025-08-18. Review status: criteria provided, single submitter. Criteria: ACMG Guidelines, 2015. Collection method: clinical testing. Allele origin: germline. Observed: 2 variant alleles.
Comment: BP4, BP7, PM2_supporting

NM_001009944.3(PKD1):c.4995C>T (p.Ser1665=)

Gene: PKD1 (polycystin 1, transient receptor potential channel interacting; minus strand). Cytogenetic location: 16p13.3.
Variant type: single nucleotide variant.
Coding change: c.4995C>T on transcript NM_001009944.3 (MANE Select); coding-DNA position 4995, C replaced by T.
Protein change: p.Ser1665=; no amino-acid change (serine 1665 retained).
Molecular consequence: synonymous variant.
Genome position (GRCh38, 1-based): chr16:2,110,172, G>A on the plus strand (C>T on the coding strand, the complement: PKD1 is on the minus strand). VCF-style: chr16-2110172-G-A. GRCh37 (hg19) VCF-style: chr16-2160173-G-A.
Other names: p.Ser1665=; c.4995C>T, p.Ser1665= (NM_000296.4).
Identifiers: ClinVar variation 4684055 (VCV004684055.1).